The following is an entry in ClinVar:

ClinVar aggregate classification (germline): Uncertain significance. Review status: criteria provided, multiple submitters, no conflicts (2 of 4 stars). 2 submissions from 2 submitters: Uncertain significance (2). Last evaluated 2023-08-01.

Conditions:
Hydrocephalus, nonsyndromic, autosomal recessive 2. Also called: Hydrocephalus, congenital, 2, with or without brain or eye anomalies. Identifiers: Orphanet 2185, MedGen C3554691, MONDO:0014085, OMIM 615219.

Allele frequency attached by ClinVar (database versions not stated): ExAC below 0.00001; gnomAD exomes 0.00001; gnomAD 0.00005; TOPMed 0.00005.
gnomAD v4.1: 27 of 1,568,086 alleles (0.0017%); highest among the groups gnomAD compares: African/African-American, 0.0027%; no homozygotes.

Submissions (2):

Labcorp Genetics (formerly Invitae), Labcorp
Classification: Uncertain significance. Last evaluated: 2023-08-01. Review status: criteria provided, single submitter. Criteria: Invitae Variant Classification Sherloc (09022015). Collection method: clinical testing. Allele origin: germline.
Comment: An algorithm developed to predict the effect of missense changes on protein structure and function (PolyPhen-2) suggests that this variant is likely to be disruptive. The frequency data for this variant in the population databases is considered unreliable, as metrics indicate poor data quality at this position in the gnomAD database. This variant has not been reported in the literature in individuals affected with MPDZ-related conditions. ClinVar contains an entry for this variant (Variation ID: 1029758). This sequence change replaces glycine, which is neutral and non-polar, with arginine, which is basic and polar, at codon 1019 of the MPDZ protein (p.Gly1019Arg). This variant also falls at the last nucleotide of exon 21, which is part of the consensus splice site for this exon. Variants that disrupt the consensus splice site are a relatively common cause of aberrant splicing (PMID: 17576681, 9536098). In summary, the available evidence is currently insufficient to determine the role of this variant in disease. Therefore, it has been classified as a Variant of Uncertain Significance.

Baylor Genetics
Classification: Uncertain significance for Hydrocephalus, nonsyndromic, autosomal recessive 2. Last evaluated: 2020-04-22. Review status: criteria provided, single submitter. Criteria: ACMG Guidelines, 2015. Collection method: clinical testing. Allele origin: unknown. Affected: yes.
Comment: This variant was determined to be of uncertain significance according to ACMG Guidelines, 2015 [PMID:25741868].

Literature cited by the submitters: PubMed 17576681 (cited by Labcorp Genetics (formerly Invitae), Labcorp); PubMed 9536098 (cited by Labcorp Genetics (formerly Invitae), Labcorp).

NM_001378778.1(MPDZ):c.3055G>A (p.Gly1019Arg)

Gene: MPDZ (multiple PDZ domain crumbs cell polarity complex component; minus strand). Cytogenetic location: 9p23.
Variant type: single nucleotide variant.
Coding change: c.3055G>A on transcript NM_001378778.1 (MANE Select); coding-DNA position 3055, G replaced by A.
Protein change: p.Gly1019Arg; replaces glycine 1019 with arginine.
Molecular consequence: missense variant.
Genome position (GRCh38, 1-based): chr9:13,175,752, C>T on the plus strand (G>A on the coding strand, the complement: MPDZ is on the minus strand). VCF-style: chr9-13175752-C-T. GRCh37 (hg19) VCF-style: chr9-13175751-C-T.
Other names: c.3055G>A, p.Gly1019Arg (NM_001261406.2, NM_001261407.2, NM_001330637.2 and 14 more transcripts); short protein forms G1019R.
Identifiers: ClinVar variation 1029758 (VCV001029758.6), dbSNP rs773285609, ClinGen allele CA4987291.
Genomic context (GRCh38, chr9:13,175,752, plus strand): 5'-AATATTTCCCCTTGTCAAGGGGGTTGAGGAGTAGGTATATGAGGAAAATGAGAAACTTAC[C>T]TAGGCTAGAATTGCCTTTTGCTATATTAATAGTCCTTTCAAAAGATTCTTTAGATACATT-3'
Protein context (NP_001365707.1, residues 1009-1029): INIAKGNSSL[Gly1019Arg]MTVSANKDGL